The following is an entry in ClinVar:

ClinVar aggregate classification (germline): Likely benign (0 of 4 stars; one submission).

Conditions:
SDHC-related disorder. Also called: SDHC-related condition.

Submission:

PreventionGenetics, part of Exact Sciences
Classification: Likely benign for SDHC-related condition. Last evaluated: 2021-07-23. Review status: no assertion criteria provided. Collection method: clinical testing. Allele origin: germline.
Comment: This variant is classified as likely benign based on ACMG/AMP sequence variant interpretation guidelines (Richards et al. 2015 PMID: 25741868, with internal and published modifications).

NM_003001.5(SDHC):c.*65A>G

Gene: SDHC (succinate dehydrogenase complex subunit C; plus strand). Cytogenetic location: 1q23.3.
Variant type: single nucleotide variant.
Coding change: c.*65A>G on transcript NM_003001.5 (MANE Select); 65 bases downstream of the stop codon, A replaced by G.
Molecular consequence: 3 prime UTR variant. On other transcripts: synonymous variant (3), non-coding transcript variant (1).
Genome position (GRCh38, 1-based): chr1:161,362,498, A>G. VCF-style: chr1-161362498-A-G. GRCh37 (hg19) VCF-style: chr1-161332288-A-G.
Other names: c.411A>G, p.Ser137= (NM_001035511.3); c.*65A>G (NM_001035512.3, NM_001035513.3, NM_001407115.1 and 5 more transcripts); c.309A>G, p.Ser103= (NM_001278172.3); c.354A>G, p.Ser118= (NM_001407121.1).
Identifiers: ClinVar variation 3029582 (VCV003029582.2), dbSNP rs773753116, ClinGen allele CA2740090270.
Genomic context (GRCh38, chr1:161,362,498, plus strand): 5'-AGGAGGCTCCCAGCATCATCTTCCTACACATTATTACATTCACCCATCTTTCTGTTTGTC[A>G]TTCTTATCTCCAGCCTGGGAAAAGTTCTCCTTATTTGTTTAGATCCTTTTGTATTTTCAG-3'